The following is an entry in ClinVar:

ClinVar aggregate classification (germline): Uncertain significance (1 of 4 stars; one submission).

Conditions:
Glycogen storage disease IXb (GSD9B). Also called: GLYCOGENOSIS OF LIVER AND MUSCLE, AUTOSOMAL RECESSIVE; GSD IXb; PHOSPHORYLASE KINASE DEFICIENCY OF LIVER AND MUSCLE, AUTOSOMAL RECESSIVE. Identifiers: Orphanet 79240, MedGen C0543514, MONDO:0009868, OMIM 261750.

Submission:

Labcorp Genetics (formerly Invitae), Labcorp
Classification: Uncertain significance for Glycogen storage disease IXb. Last evaluated: 2022-12-03. Review status: criteria provided, single submitter. Criteria: Invitae Variant Classification Sherloc (09022015). Collection method: clinical testing. Allele origin: germline.
Comment: In summary, the available evidence is currently insufficient to determine the role of this variant in disease. Therefore, it has been classified as a Variant of Uncertain Significance. Algorithms developed to predict the effect of missense changes on protein structure and function (SIFT, PolyPhen-2, Align-GVGD) all suggest that this variant is likely to be disruptive. This variant has not been reported in the literature in individuals affected with PHKB-related conditions. This variant is not present in population databases (gnomAD no frequency). This sequence change replaces proline, which is neutral and non-polar, with leucine, which is neutral and non-polar, at codon 366 of the PHKB protein (p.Pro366Leu).

NM_000293.3(PHKB):c.1097C>T (p.Pro366Leu)

Gene: PHKB (phosphorylase kinase regulatory subunit beta; plus strand). Cytogenetic location: 16q12.1.
Variant type: single nucleotide variant.
Coding change: c.1097C>T on transcript NM_000293.3 (MANE Select); coding-DNA position 1097, C replaced by T.
Protein change: p.Pro366Leu; replaces proline 366 with leucine.
Molecular consequence: missense variant.
Genome position (GRCh38, 1-based): chr16:47,593,528, C>T. VCF-style: chr16-47593528-C-T. GRCh37 (hg19) VCF-style: chr16-47627439-C-T.
Other names: c.1076C>T, p.Pro359Leu (NM_001031835.3); c.1097C>T, p.Pro366Leu (NM_001363837.1); short protein forms P359L, P366L.
Identifiers: ClinVar variation 2960296 (VCV002960296.3), dbSNP rs2506392262, ClinGen allele CA395797775.